The following is an entry in ClinVar:

ClinVar aggregate classification (germline): Uncertain significance (1 of 4 stars; one submission).

Conditions:
Cardiovascular phenotype. Identifiers: MedGen CN230736.

Submission:

Ambry Genetics
Classification: Uncertain significance for Cardiovascular phenotype. Last evaluated: 2023-05-22. Review status: criteria provided, single submitter. Criteria: Ambry Variant Classification Scheme 2023. Collection method: clinical testing. Allele origin: germline.
Comment: The p.T5I variant (also known as c.14C>T), located in coding exon 1 of the BAG3 gene, results from a C to T substitution at nucleotide position 14. The threonine at codon 5 is replaced by isoleucine, an amino acid with similar properties. This amino acid position is well conserved in available vertebrate species. In addition, this alteration is predicted to be tolerated by in silico analysis. Since supporting evidence is limited at this time, the clinical significance of this alteration remains unclear.

NM_004281.4(BAG3):c.14C>T (p.Thr5Ile)

Gene: BAG3 (BAG cochaperone 3; plus strand). Cytogenetic location: 10q26.11.
Variant type: single nucleotide variant.
Coding change: c.14C>T on transcript NM_004281.4 (MANE Select); coding-DNA position 14, C replaced by T.
Protein change: p.Thr5Ile; replaces threonine 5 with isoleucine.
Molecular consequence: missense variant.
Genome position (GRCh38, 1-based): chr10:119,651,689, C>T. VCF-style: chr10-119651689-C-T. GRCh37 (hg19) VCF-style: chr10-121411201-C-T.
Other names: short protein forms T5I.
Identifiers: ClinVar variation 2567316 (VCV002567316.2), dbSNP rs2493979455, ClinGen allele CA378293992.